The following is an entry in ClinVar:

ClinVar aggregate classification (germline): Uncertain significance. Review status: criteria provided, multiple submitters, no conflicts (2 of 4 stars). 3 submissions from 3 submitters: Uncertain significance (3). Last evaluated 2026-03-03.

Conditions:
Inborn genetic diseases. Identifiers: MedGen C0950123, MeSH D030342.
OSBPL2-related disorder. Also called: OSBPL2-related condition.

Allele frequency attached by ClinVar (database versions not stated): ExAC 0.00001; gnomAD 0.00007; TOPMed 0.00009.
gnomAD v4.1: 20 of 1,614,098 alleles (0.0012%); highest among the groups gnomAD compares: African/African-American, 0.023%; no homozygotes.

Submissions (3):

PreventionGenetics, part of Exact Sciences
Classification: Uncertain significance for OSBPL2-related condition. Last evaluated: 2026-03-03. Review status: criteria provided, single submitter. Criteria: ACMG Guidelines, 2015. Collection method: clinical testing. Allele origin: germline.
Comment: The OSBPL2 c.607A>C variant is predicted to result in the amino acid substitution p.Lys203Gln. To our knowledge, this variant has not been reported in the literature. This variant is reported in 0.024% of alleles in individuals of African descent in gnomAD. Although we suspect that this variant may be benign, at this time, the clinical significance of this variant is uncertain due to the absence of conclusive functional and genetic evidence.

Labcorp Genetics (formerly Invitae), Labcorp
Classification: Uncertain significance. Last evaluated: 2025-07-21. Review status: criteria provided, single submitter. Criteria: Invitae Variant Classification Sherloc (09022015). Collection method: clinical testing. Allele origin: germline.
Comment: This sequence change replaces lysine, which is basic and polar, with glutamine, which is neutral and polar, at codon 203 of the OSBPL2 protein (p.Lys203Gln). This variant is present in population databases (rs750883021, gnomAD 0.02%). This variant has not been reported in the literature in individuals affected with OSBPL2-related conditions. ClinVar contains an entry for this variant (Variation ID: 1476234). An algorithm developed to predict the effect of missense changes on protein structure and function (PolyPhen-2) suggests that this variant is likely to be disruptive. In summary, the available evidence is currently insufficient to determine the role of this variant in disease. Therefore, it has been classified as a Variant of Uncertain Significance.

Ambry Genetics
Classification: Uncertain significance for Inborn genetic diseases. Last evaluated: 2025-03-04. Review status: criteria provided, single submitter. Criteria: Ambry Variant Classification Scheme 2023. Collection method: clinical testing. Allele origin: germline.

NM_144498.4(OSBPL2):c.607A>C (p.Lys203Gln)

Gene: OSBPL2 (oxysterol binding protein like 2; plus strand). Cytogenetic location: 20q13.33.
Variant type: single nucleotide variant.
Coding change: c.607A>C on transcript NM_144498.4 (MANE Select); coding-DNA position 607, A replaced by C.
Protein change: p.Lys203Gln; replaces lysine 203 with glutamine.
Molecular consequence: missense variant.
Genome position (GRCh38, 1-based): chr20:62,279,272, A>C. VCF-style: chr20-62279272-A-C. GRCh37 (hg19) VCF-style: chr20-60854328-A-C.
Other names: c.331A>C, p.Lys111Gln (NM_001278649.3, NM_001363878.2); c.571A>C, p.Lys191Gln (NM_014835.5); c.607A>C (NM_144498.2, NM_144498.1); short protein forms K203Q, K191Q, K111Q.
Identifiers: ClinVar variation 1476234 (VCV001476234.8), dbSNP rs750883021, ClinGen allele CA9938510.